The following is an entry in ClinVar:

ClinVar aggregate classification (germline): Likely benign (1 of 4 stars; one submission).

gnomAD v4.1: 7 of 1,614,214 alleles (0.00043%); highest among the groups gnomAD compares: African/African-American, 0.0013%; no homozygotes.

Submission:

CeGaT Center for Human Genetics Tuebingen
Classification: Likely benign. Last evaluated: 2023-04-01. Review status: criteria provided, single submitter. Criteria: CeGaT Center For Human Genetics Tuebingen Variant Classification Criteria Version 2. Collection method: clinical testing. Allele origin: germline. Affected: yes. Observed: 1 variant allele.
Comment: PSEN1: PM2:Supporting, BP4, BP7

NM_000021.4(PSEN1):c.255C>G (p.Leu85=)

Gene: PSEN1 (presenilin 1; plus strand). Cytogenetic location: 14q24.2.
Variant type: single nucleotide variant.
Coding change: c.255C>G on transcript NM_000021.4 (MANE Select); coding-DNA position 255, C replaced by G.
Protein change: p.Leu85=; no amino-acid change (leucine 85 retained).
Molecular consequence: synonymous variant.
Genome position (GRCh38, 1-based): chr14:73,170,964, C>G. VCF-style: chr14-73170964-C-G. GRCh37 (hg19) VCF-style: chr14-73637672-C-G.
Other names: c.243C>G, p.Leu81= (NM_007318.3).
Identifiers: ClinVar variation 2644357 (VCV002644357.24), dbSNP rs768521549, ClinGen allele CA487255827.
Genomic context (GRCh38, chr14:73,170,964, plus strand): 5'-AGATGAGGAAGAAGATGAGGAGCTGACATTGAAATATGGCGCCAAGCATGTGATCATGCT[C>G]TTTGTCCCTGTGACTCTCTGCATGGTGGTGGTCGTGGCTACCATTAAGTCAGTCAGCTTT-3'
Protein context (NP_000012.1, residues 75-95): LKYGAKHVIM[Leu85=]FVPVTLCMVV